The following is an entry in ClinVar:

NM_000245.4(MET):c.3289T>C (p.Leu1097=)

Gene: MET (MET proto-oncogene, receptor tyrosine kinase; plus strand). Cytogenetic location: 7q31.2.
Variant type: single nucleotide variant.
Coding change: c.3289T>C on transcript NM_000245.4 (MANE Select); coding-DNA position 3289, T replaced by C.
Protein change: p.Leu1097=; no amino-acid change (leucine 1097 retained).
Molecular consequence: synonymous variant.
Genome position (GRCh38, 1-based): chr7:116,777,418, T>C. VCF-style: chr7-116777418-T-C. GRCh37 (hg19) VCF-style: chr7-116417472-T-C.
Other names: c.3343T>C, p.Leu1115= (NM_001127500.3); c.1999T>C, p.Leu667= (NM_001324402.2).
Identifiers: ClinVar variation 1107589 (VCV001107589.12), dbSNP rs45583838, ClinGen allele CA4448690.

ClinVar aggregate classification (germline): Benign/Likely benign. Review status: criteria provided, multiple submitters, no conflicts (2 of 4 stars). 3 submissions from 3 submitters: Benign (1); Likely benign (2). Last evaluated 2024-11-13.

Conditions:
Hereditary cancer-predisposing syndrome. Also called: Tumor predisposition; Neoplastic Syndromes, Hereditary; Hereditary Cancer Syndrome; Hereditary neoplastic syndrome. Identifiers: Orphanet 140162, MedGen C0027672, MeSH D009386, MONDO:0015356.
Papillary renal cell carcinoma type 1 (RCCP1). Also called: RENAL CELL CARCINOMA, PAPILLARY, 1, SOMATIC; Renal adenocarcinoma; Renal cell carcinoma 1; Renal cell carcinoma, somatic. Identifiers: Orphanet 47044, MedGen C1336839, OMIM 605074, HP:0011797.
Renal cell carcinoma. Identifiers: Orphanet 217071, MedGen C0007134, MeSH D002292, MONDO:0005086, HP:0005584.

Allele frequency attached by ClinVar (database versions not stated): gnomAD exomes below 0.00001; TOPMed below 0.00001; ExAC 0.00001; gnomAD 0.00001.
gnomAD v4.1: 3 of 1,613,766 alleles (0.00019%); highest among the groups gnomAD compares: East Asian, 0.0067%; no homozygotes.

Submissions (3):

Myriad Genetics, Inc.
Classification: Benign for Papillary renal cell carcinoma type 1. Last evaluated: 2024-11-13. Review status: criteria provided, single submitter. Criteria: Myriad Autosomal Dominant, Autosomal Recessive and X-Linked Classification Criteria (2023). Collection method: clinical testing. Allele origin: unknown.
Comment: This variant is considered benign. This variant is a silent/synonymous amino acid change and it is not expected to impact splicing.

Labcorp Genetics (formerly Invitae), Labcorp
Classification: Likely benign for Renal cell carcinoma. Last evaluated: 2024-09-09. Review status: criteria provided, single submitter. Criteria: Invitae Variant Classification Sherloc (09022015). Collection method: clinical testing. Allele origin: germline.

Ambry Genetics
Classification: Likely benign for Hereditary cancer-predisposing syndrome. Last evaluated: 2020-04-29. Review status: criteria provided, single submitter. Criteria: Ambry Variant Classification Scheme 2023. Collection method: clinical testing. Allele origin: germline.